The following is an entry in ClinVar:

NM_003051.4(SLC16A1):c.1284C>T (p.Val428=)

Gene: SLC16A1 (solute carrier family 16 member 1; minus strand). Cytogenetic location: 1p13.2.
Variant type: single nucleotide variant.
Coding change: c.1284C>T on transcript NM_003051.4 (MANE Select); coding-DNA position 1284, C replaced by T.
Protein change: p.Val428=; no amino-acid change (valine 428 retained).
Molecular consequence: synonymous variant.
Genome position (GRCh38, 1-based): chr1:112,914,110, G>A on the plus strand (C>T on the coding strand, the complement: SLC16A1 is on the minus strand). VCF-style: chr1-112914110-G-A. GRCh37 (hg19) VCF-style: chr1-113456732-G-A.
Other names: c.1284C>T, p.Val428= (NM_001166496.2).
Identifiers: ClinVar variation 2964812 (VCV002964812.3), dbSNP rs774103196, ClinGen allele CA29390623.
Genomic context (GRCh38, chr1:112,914,110, plus strand): 5'-CAAAAGTCGATAATTGATGCCCATGCCAATGAAGAGATAGATACCTGAAATAATTAGGAC[G>A]ACGCCACATGCCCAGTATGTGTATTTGTAGTCTCCATACATGTCATTGAGCCGACCTAAA-3'
Protein context (NP_003042.3, residues 418-438): DYKYTYWACG[Val428=]VLIISGIYLF

ClinVar aggregate classification (germline): Uncertain significance (1 of 4 stars; one submission).

Allele frequency attached by ClinVar (database versions not stated): TOPMed below 0.00001.
gnomAD v4.1: 46 of 1,614,164 alleles (0.0028%); highest among the groups gnomAD compares: Non-Finnish European, 0.0039%; no homozygotes.

Submission:

Labcorp Genetics (formerly Invitae), Labcorp
Classification: Uncertain significance. Last evaluated: 2023-12-14. Review status: criteria provided, single submitter. Criteria: Invitae Variant Classification Sherloc (09022015). Collection method: clinical testing. Allele origin: germline.
Comment: This sequence change affects codon 428 of the SLC16A1 mRNA. It is a 'silent' change, meaning that it does not change the encoded amino acid sequence of the SLC16A1 protein. This variant is present in population databases (rs774103196, gnomAD 0.0009%). This variant has not been reported in the literature in individuals affected with SLC16A1-related conditions. Algorithms developed to predict the effect of sequence changes on RNA splicing suggest that this variant may create or strengthen a splice site. In summary, the available evidence is currently insufficient to determine the role of this variant in disease. Therefore, it has been classified as a Variant of Uncertain Significance.